The following is an entry in ClinVar:

ClinVar aggregate classification (germline): Uncertain significance. Review status: criteria provided, multiple submitters, no conflicts (2 of 4 stars). 2 submissions from 2 submitters: Uncertain significance (2). Last evaluated 2021-07-22.

Conditions:
Inborn genetic diseases. Identifiers: MedGen C0950123, MeSH D030342.
Al-Raqad syndrome. Identifiers: MedGen C4085595, MONDO:0014648, OMIM 616459.

Allele frequency attached by ClinVar (database versions not stated): TOPMed 0.00022; gnomAD 0.00024 and 0.00029; gnomAD exomes 0.00024; ExAC 0.00028; ESP Exome Variant Server 0.00046.
gnomAD v4.1: 563 of 1,614,064 alleles (0.035%); highest among the groups gnomAD compares: Non-Finnish European, 0.045%; no homozygotes.

Submissions (2):

Ambry Genetics
Classification: Uncertain significance for Inborn genetic diseases. Last evaluated: 2021-07-22. Review status: criteria provided, single submitter. Criteria: Ambry Variant Classification Scheme 2023. Collection method: clinical testing. Allele origin: germline.

Baylor Genetics
Classification: Uncertain significance for Al-Raqad syndrome. Last evaluated: 2019-05-08. Review status: criteria provided, single submitter. Criteria: ACMG Guidelines, 2015. Collection method: clinical testing. Allele origin: unknown. Affected: yes.
Comment: This variant was determined to be of uncertain significance according to ACMG Guidelines, 2015 [PMID:25741868].

NM_014026.6(DCPS):c.550G>A (p.Ala184Thr)

Gene: DCPS (decapping enzyme, scavenger; plus strand). Cytogenetic location: 11q24.2.
Variant type: single nucleotide variant.
Coding change: c.550G>A on transcript NM_014026.6 (MANE Select); coding-DNA position 550, G replaced by A.
Protein change: p.Ala184Thr; replaces alanine 184 with threonine.
Molecular consequence: missense variant.
Genome position (GRCh38, 1-based): chr11:126,338,313, G>A. VCF-style: chr11-126338313-G-A. GRCh37 (hg19) VCF-style: chr11-126208208-G-A.
Other names: c.571G>A, p.Ala191Thr (NM_001350236.2); short protein forms A184T, A191T.
Identifiers: ClinVar variation 1031231 (VCV001031231.3), dbSNP rs147353126, ClinGen allele CA6355039.